The following is an entry in ClinVar:

ClinVar aggregate classification (germline): Uncertain significance. Review status: criteria provided, multiple submitters, no conflicts (2 of 4 stars). 2 submissions from 2 submitters: Uncertain significance (2). Last evaluated 2023-08-10.

Conditions:
Hypertrophic cardiomyopathy. Also called: HYPERTROPHIC MYOCARDIOPATHY. Identifiers: Orphanet 217569, MedGen C0007194, MeSH D002312, MONDO:0005045, HP:0001639.
Cardiovascular phenotype. Identifiers: MedGen CN230736.

Allele frequency attached by ClinVar (database versions not stated): TOPMed below 0.00001; gnomAD 0.00001.

Submissions (2):

Labcorp Genetics (formerly Invitae), Labcorp
Classification: Uncertain significance for Hypertrophic cardiomyopathy. Last evaluated: 2023-08-10. Review status: criteria provided, single submitter. Criteria: Invitae Variant Classification Sherloc (09022015). Collection method: clinical testing. Allele origin: germline.
Comment: In summary, the available evidence is currently insufficient to determine the role of this variant in disease. Therefore, it has been classified as a Variant of Uncertain Significance. Experimental studies and prediction algorithms are not available or were not evaluated, and the functional significance of this variant is currently unknown. ClinVar contains an entry for this variant (Variation ID: 1383257). This variant has been observed in individual(s) with atrial fibrillation (PMID: 34495297). The frequency data for this variant in the population databases is considered unreliable, as metrics indicate poor data quality at this position in the gnomAD database. This variant, c.1366_1371dup, results in the insertion of 2 amino acid(s) of the MYH7 protein (p.Phe456_Ile457dup), but otherwise preserves the integrity of the reading frame.

Ambry Genetics
Classification: Uncertain significance for Cardiovascular phenotype. Last evaluated: 2020-03-31. Review status: criteria provided, single submitter. Criteria: Ambry Variant Classification Scheme 2023. Collection method: clinical testing. Allele origin: germline.
Comment: The c.1366_1371dupTTCATA variant (also known as p.F456_I457dup), located in coding exon 12 of the MYH7 gene, results from an in-frame duplication of TTCATA at nucleotide positions 1366 to 1371. This results in the duplication of 2 extra residues (FI) between codons 456 and 457. These amino acid positions are highly conserved in available vertebrate species. Since supporting evidence is limited at this time, the clinical significance of this alteration remains unclear.

Literature cited by the submitters: PubMed 34495297 (cited by Labcorp Genetics (formerly Invitae), Labcorp).

NM_000257.4(MYH7):c.1366_1371dup (p.Phe456_Ile457dup)

Gene: MYH7 (myosin heavy chain 7; minus strand). Cytogenetic location: 14q11.2.
Variant type: Duplication.
Coding change: c.1366_1371dup on transcript NM_000257.4 (MANE Select); coding-DNA positions 1366 to 1371, 6 bases duplicated (TTCATA; older notation c.1366_1371dupTTCATA).
Protein change: p.Phe456_Ile457dup.
Molecular consequence: inframe insertion.
Genome position (GRCh38, 1-based): chr14:23,428,991-23,428,996, TATGAA duplicated on the plus strand (TTCATA on the coding strand, the reverse complement: MYH7 is on the minus strand). VCF-style (leftmost placement, unchanged base first): chr14-23428990-C-CTATGAA. GRCh37 (hg19) VCF-style: chr14-23898199-C-CTATGAA.
Other names: c.1366_1371dupTTCATA (NM_000257.4).
Identifiers: ClinVar variation 1383257 (VCV001383257.8), dbSNP rs1386136433, ClinGen allele CA613318118.